The following is an entry in ClinVar:

NM_004304.5(ALK):c.412G>C (p.Ala138Pro)

Gene: ALK (ALK receptor tyrosine kinase; minus strand). Cytogenetic location: 2p23.1.
Variant type: single nucleotide variant.
Coding change: c.412G>C on transcript NM_004304.5 (MANE Select); coding-DNA position 412, G replaced by C.
Protein change: p.Ala138Pro; replaces alanine 138 with proline.
Molecular consequence: missense variant.
Genome position (GRCh38, 1-based): chr2:29,920,248, C>G on the plus strand (G>C on the coding strand, the complement: ALK is on the minus strand). VCF-style: chr2-29920248-C-G. GRCh37 (hg19) VCF-style: chr2-30143114-C-G.
Other names: c.412G>C (NM_004304.4); short protein forms A138P.
Identifiers: ClinVar variation 3617169 (VCV003617169.3).

ClinVar aggregate classification (germline): Uncertain significance. Review status: criteria provided, multiple submitters, no conflicts (2 of 4 stars). 2 submissions from 2 submitters: Uncertain significance (2). Last evaluated 2025-09-04.

Conditions:
Hereditary cancer-predisposing syndrome. Also called: Neoplastic Syndromes, Hereditary; Tumor predisposition; Hereditary Cancer Syndrome; Hereditary neoplastic syndrome. Identifiers: Orphanet 140162, MedGen C0027672, MeSH D009386, MONDO:0015356.
Neuroblastoma, susceptibility to, 3. Also called: ALK-Related Neuroblastic Tumor Susceptibility. Identifiers: Orphanet 635, MedGen C2751681, MONDO:0013083, OMIM 613014.

Submissions (2):

Ambry Genetics
Classification: Uncertain significance for Hereditary cancer-predisposing syndrome. Last evaluated: 2025-09-04. Review status: criteria provided, single submitter. Criteria: Ambry Variant Classification Scheme 2023. Collection method: clinical testing. Allele origin: germline.
Comment: The p.A138P variant (also known as c.412G>C), located in coding exon 1 of the ALK gene, results from a G to C substitution at nucleotide position 412. The alanine at codon 138 is replaced by proline, an amino acid with highly similar properties. This amino acid position is well conserved in available vertebrate species. In addition, this alteration is predicted to be deleterious by in silico analysis. Based on the available evidence, the clinical significance of this variant remains unclear.

Labcorp Genetics (formerly Invitae), Labcorp
Classification: Uncertain significance for Neuroblastoma, susceptibility to, 3. Last evaluated: 2024-09-04. Review status: criteria provided, single submitter. Criteria: Invitae Variant Classification Sherloc (09022015). Collection method: clinical testing. Allele origin: germline.
Comment: This sequence change replaces alanine, which is neutral and non-polar, with proline, which is neutral and non-polar, at codon 138 of the ALK protein (p.Ala138Pro). This variant is not present in population databases (gnomAD no frequency). This variant has not been reported in the literature in individuals affected with ALK-related conditions. An algorithm developed to predict the effect of missense changes on protein structure and function (PolyPhen-2) suggests that this variant is likely to be disruptive. In summary, the available evidence is currently insufficient to determine the role of this variant in disease. Therefore, it has been classified as a Variant of Uncertain Significance.